The following is an entry in ClinVar:

NM_006440.5(TXNRD2):c.754C>G (p.Pro252Ala)

Gene: TXNRD2 (thioredoxin reductase 2; minus strand). Cytogenetic location: 22q11.21.
Variant type: single nucleotide variant.
Coding change: c.754C>G on transcript NM_006440.5 (MANE Select); coding-DNA position 754, C replaced by G.
Protein change: p.Pro252Ala; replaces proline 252 with alanine.
Molecular consequence: missense variant. On other transcripts: non-coding transcript variant (1).
Genome position (GRCh38, 1-based): chr22:19,898,059, G>C on the plus strand (C>G on the coding strand, the complement: TXNRD2 is on the minus strand). VCF-style: chr22-19898059-G-C. GRCh37 (hg19) VCF-style: chr22-19885582-G-C.
Other names: c.754C>G, p.Pro252Ala (NM_001282512.3); c.751C>G, p.Pro251Ala (NM_001352300.2); c.664C>G, p.Pro222Ala (NM_001352301.2); c.466C>G, p.Pro156Ala (NM_001352302.2); c.658C>G, p.Pro220Ala (NM_001352303.2); short protein forms P220A, P222A, P251A, P252A, P156A.
Identifiers: ClinVar variation 2048698 (VCV002048698.4), dbSNP rs1019205992, ClinGen allele CA410687341.

ClinVar aggregate classification (germline): Uncertain significance (1 of 4 stars; one submission).

Conditions:
Primary dilated cardiomyopathy (DCM). Also called: Dilated Cardiomyopathy. Identifiers: Orphanet 217604, MedGen C0007193, MeSH D002311, MONDO:0005021, HP:0001644. Inheritance: Various modes of inheritance.

gnomAD v4.1: 1 of 1,560,538 alleles (0.000064%); highest among the groups gnomAD compares: Non-Finnish European, 0.000087%; no homozygotes.

Submission:

Labcorp Genetics (formerly Invitae), Labcorp
Classification: Uncertain significance for Primary dilated cardiomyopathy. Last evaluated: 2022-10-25. Review status: criteria provided, single submitter. Criteria: Invitae Variant Classification Sherloc (09022015). Collection method: clinical testing. Allele origin: germline.
Comment: Algorithms developed to predict the effect of sequence changes on RNA splicing suggest that this variant may create or strengthen a splice site. In summary, the available evidence is currently insufficient to determine the role of this variant in disease. Therefore, it has been classified as a Variant of Uncertain Significance. Advanced modeling of protein sequence and biophysical properties (such as structural, functional, and spatial information, amino acid conservation, physicochemical variation, residue mobility, and thermodynamic stability) performed at Invitae indicates that this missense variant is not expected to disrupt TXNRD2 protein function. This variant has not been reported in the literature in individuals affected with TXNRD2-related conditions. This variant is not present in population databases (gnomAD no frequency). This sequence change replaces proline, which is neutral and non-polar, with alanine, which is neutral and non-polar, at codon 252 of the TXNRD2 protein (p.Pro252Ala).